The following is an entry in ClinVar:

NM_213720.3(CHCHD10):c.349A>T (p.Ser117Cys)

Gene: CHCHD10 (coiled-coil-helix-coiled-coil-helix domain containing 10; minus strand). Cytogenetic location: 22q11.23.
Variant type: single nucleotide variant.
Coding change: c.349A>T on transcript NM_213720.3 (MANE Select); coding-DNA position 349, A replaced by T.
Protein change: p.Ser117Cys; replaces serine 117 with cysteine.
Molecular consequence: missense variant. On other transcripts: non-coding transcript variant (2).
Genome position (GRCh38, 1-based): chr22:23,766,188, T>A on the plus strand (A>T on the coding strand, the complement: CHCHD10 is on the minus strand). VCF-style: chr22-23766188-T-A. GRCh37 (hg19) VCF-style: chr22-24108375-T-A.
Other names: c.370A>T, p.Ser124Cys (NM_001301339.2); short protein forms S117C, S124C.
Identifiers: ClinVar variation 473426 (VCV000473426.11), dbSNP rs931085449, ClinGen allele CA322572672.

ClinVar aggregate classification (germline): Uncertain significance. Review status: criteria provided, multiple submitters, no conflicts (2 of 4 stars). 2 submissions from 2 submitters: Uncertain significance (2). Last evaluated 2024-04-18.

Conditions:
Frontotemporal dementia and/or amyotrophic lateral sclerosis 2. Also called: FTDALS2. Identifiers: Orphanet 275872, MedGen C4014648, MONDO:0014395, OMIM 615911.
Autosomal dominant mitochondrial myopathy with exercise intolerance (IMMD). Also called: Myopathy, isolated mitochondrial, autosomal dominant. Identifiers: Orphanet 457050, MedGen C4015513, MONDO:0014532, OMIM 616209.
Lower motor neuron syndrome with late-adult onset (SMAJ). Also called: Spinal muscular atrophy, Jokela type; Late-Onset Spinal Motor Neuronopathy (SMAJ). Identifiers: Orphanet 276435, MedGen C3554398, MONDO:0014025, OMIM 615048.

Allele frequency attached by ClinVar (database versions not stated): gnomAD exomes below 0.00001.
gnomAD v4.1: 2 of 1,612,142 alleles (0.00012%); highest among the groups gnomAD compares: Non-Finnish European, 0.00017%; no homozygotes.

Submissions (2):

Labcorp Genetics (formerly Invitae), Labcorp
Classification: Uncertain significance for Lower motor neuron syndrome with late-adult onset; Frontotemporal dementia and/or amyotrophic lateral sclerosis 2; Autosomal dominant mitochondrial myopathy with exercise intolerance. Last evaluated: 2024-04-18. Review status: criteria provided, single submitter. Criteria: Invitae Variant Classification Sherloc (09022015). Collection method: clinical testing. Allele origin: germline.
Comment: This sequence change replaces serine, which is neutral and polar, with cysteine, which is neutral and slightly polar, at codon 117 of the CHCHD10 protein (p.Ser117Cys). This variant is not present in population databases (gnomAD no frequency). This variant has not been reported in the literature in individuals affected with CHCHD10-related conditions. ClinVar contains an entry for this variant (Variation ID: 473426). An algorithm developed to predict the effect of missense changes on protein structure and function (PolyPhen-2) suggests that this variant is likely to be disruptive. In summary, the available evidence is currently insufficient to determine the role of this variant in disease. Therefore, it has been classified as a Variant of Uncertain Significance.

Institute of Human Genetics, University of Leipzig Medical Center
Classification: Uncertain significance for Frontotemporal dementia and/or amyotrophic lateral sclerosis 2. Last evaluated: 2021-10-20. Review status: criteria provided, single submitter. Criteria: ACMG Guidelines, 2015. Collection method: clinical testing. Allele origin: unknown. Affected: yes.
Comment: _x000D_ Criteria applied: PS4_SUP, PM2_SUP, PP3